The following is an entry in ClinVar:

ClinVar aggregate classification (germline): Conflicting classifications of pathogenicity. Review status: criteria provided, conflicting classifications (1 of 4 stars). 8 submissions from 8 submitters: Uncertain significance (1); Benign (5); Likely benign (2). Last evaluated 2026-09-01.

Conditions:
RYR1-related disorder. Also called: RYR1-related disorders; RYR1-related condition. Identifiers: MedGen CN239331.
Malignant hyperthermia, susceptibility to, 1 (MHS1). Also called: Anesthesia related hyperthermia; Malignant hyperpyrexia; Fulminating hyperpyrexia; Pharmacogenic myopathy; RYR1-Related Malignant Hyperthermia Susceptibility; Malignant hyperthermia suceptibility 1. Identifiers: Orphanet 423, MedGen C2930980, MONDO:0007783, OMIM 145600.

Allele frequency attached by ClinVar (database versions not stated): gnomAD exomes 0.00113; ExAC 0.00139; 1000 Genomes Project 30x 0.00406; 1000 Genomes Project 0.00419; gnomAD 0.00438 and 0.00460; TOPMed 0.00502; ESP Exome Variant Server 0.00554.
gnomAD v4.1: 1,264 of 1,612,014 alleles (0.078%); highest among the groups gnomAD compares: African/African-American, 1.5%; 12 homozygotes.

Submissions (8):

CeGaT Center for Human Genetics Tuebingen
Classification: Likely benign. Last evaluated: 2026-09-01. Review status: criteria provided, single submitter. Criteria: CeGaT Center For Human Genetics Tuebingen Variant Classification Criteria Version 2. Collection method: clinical testing. Allele origin: germline. Affected: yes. Observed: 1 variant allele.
Comment: RYR1: BP4, BP7, BS1

Labcorp Genetics (formerly Invitae), Labcorp
Classification: Benign for RYR1-related disorder. Last evaluated: 2026-01-28. Review status: criteria provided, single submitter. Criteria: Invitae Variant Classification Sherloc (09022015). Collection method: clinical testing. Allele origin: germline.

Blueprint Genetics
Classification: Likely benign. Last evaluated: 2024-10-03. Review status: criteria provided, single submitter. Criteria: ACMG Guidelines, 2015. Collection method: clinical testing. Allele origin: germline.

All of Us Research Program, National Institutes of Health
Classification: Benign for Malignant hyperthermia, susceptibility to, 1. Last evaluated: 2024-02-05. Review status: criteria provided, single submitter. Criteria: ACMG Guidelines, 2015. Collection method: clinical testing. Allele origin: germline. Inheritance: Autosomal dominant inheritance. Observed: 211 variant alleles, 210 heterozygotes, 1 homozygote.
Comment: This study involves interpretation of variants in research participants for the purpose of population health screening. Participant phenotype was not available at the time of variant classification. Additional details can be found in publication PMID: 35346344, PMCID: PMC8962531

Color Diagnostics, LLC DBA Color Health
Classification: Benign for Malignant hyperthermia, susceptibility to, 1. Last evaluated: 2022-04-29. Review status: criteria provided, single submitter. Criteria: ACMG Guidelines, 2015. Collection method: clinical testing. Allele origin: germline.

PreventionGenetics, part of Exact Sciences
Classification: Benign. Last evaluated: 2018-03-13. Review status: criteria provided, single submitter. Criteria: ACMG Guidelines, 2015. Collection method: clinical testing. Allele origin: germline.

GeneDx
Classification: Benign. Last evaluated: 2017-06-16. Review status: criteria provided, single submitter. Criteria: GeneDx Variant Classification (06012015). Collection method: clinical testing. Allele origin: germline. Affected: yes.
Comment: This variant is considered likely benign or benign based on one or more of the following criteria: it is a conservative change, it occurs at a poorly conserved position in the protein, it is predicted to be benign by multiple in silico algorithms, and/or has population frequency not consistent with disease.

Genetic Services Laboratory, University of Chicago
Classification: Uncertain significance. Last evaluated: 2015-01-20. Review status: criteria provided, single submitter. Criteria: ACMG Guidelines, 2015. Collection method: clinical testing. Allele origin: germline.

NM_000540.3(RYR1):c.12588C>T (p.Ile4196=)

Gene: RYR1 (ryanodine receptor 1; plus strand). Cytogenetic location: 19q13.2.
Variant type: single nucleotide variant.
Coding change: c.12588C>T on transcript NM_000540.3 (MANE Select); coding-DNA position 12588, C replaced by T.
Protein change: p.Ile4196=; no amino-acid change (isoleucine 4196 retained).
Molecular consequence: synonymous variant.
Genome position (GRCh38, 1-based): chr19:38,561,418, C>T. VCF-style: chr19-38561418-C-T. GRCh37 (hg19) VCF-style: chr19-39052058-C-T.
Other names: c.12573C>T, p.Ile4191= (NM_001042723.2).
Identifiers: ClinVar variation 212092 (VCV000212092.25), dbSNP rs61739895, ClinGen allele CA059141.